The following is an entry in ClinVar:

ClinVar aggregate classification (germline): Uncertain significance (1 of 4 stars; one submission).

Conditions:
Hereditary hemochromatosis (HFE). Identifiers: MedGen C0392514, MONDO:0006507. Disease mechanism: loss of function.

Submission:

Labcorp Genetics (formerly Invitae), Labcorp
Classification: Uncertain significance for Hereditary hemochromatosis. Last evaluated: 2018-05-22. Review status: criteria provided, single submitter. Criteria: Invitae Variant Classification Sherloc (09022015). Collection method: clinical testing. Allele origin: germline.
Comment: In summary, the available evidence is currently insufficient to determine the role of this variant in disease. Therefore, it has been classified as a Variant of Uncertain Significance. This sequence change replaces arginine with leucine at codon 704 of the TFR2 protein (p.Arg704Leu). The arginine residue is highly conserved and there is a moderate physicochemical difference between arginine and leucine. This variant is not present in population databases (ExAC no frequency). This variant has not been reported in the literature in individuals with TFR2-related disease. Algorithms developed to predict the effect of missense changes on protein structure and function (SIFT, PolyPhen-2, Align-GVGD) all suggest that this variant is likely to be disruptive, but these predictions have not been confirmed by published functional studies and their clinical significance is uncertain.

NM_003227.4(TFR2):c.2111G>T (p.Arg704Leu)

Genes: TFR2 (transferrin receptor 2; minus strand), LOC113687175 (Sharpr-MPRA regulatory region 4647; plus strand). Cytogenetic location: 7q22.1.
Variant type: single nucleotide variant.
Coding change: c.2111G>T on transcript NM_003227.4 (MANE Select); coding-DNA position 2111, G replaced by T.
Protein change: p.Arg704Leu; replaces arginine 704 with leucine.
Molecular consequence: missense variant.
Genome position (GRCh38, 1-based): chr7:100,626,788, C>A on the plus strand (G>T on the coding strand, the complement: TFR2 is on the minus strand). VCF-style: chr7-100626788-C-A. GRCh37 (hg19) VCF-style: chr7-100224411-C-A.
Other names: c.1598G>T, p.Arg533Leu (NM_001206855.3); short protein forms R704L, R533L.
Identifiers: ClinVar variation 578418 (VCV000578418.9), dbSNP rs1562837528, ClinGen allele CA368522703.
Genomic context (GRCh38, chr7:100,626,788, plus strand): 5'-ACACTGGGGGCGGGGCGAGGAGGGCGGGGCCTCACCCGCATTATGCGCACGTTGTACATG[C>A]GTGTCAGTCGCTCGTCTCTCTCCTCCGAGCTGTAGATCTCCTGCCGCAGCTTTTCCGCCG-3'
Protein context (NP_003218.2, residues 694-714): SSEERDERLT[Arg704Leu]MYNVRIMRVE